The following is an entry in ClinVar:

NM_001371596.2(MFSD8):c.863+5G>A

Gene: MFSD8 (major facilitator superfamily domain containing 8; minus strand). Cytogenetic location: 4q28.2.
Variant type: single nucleotide variant.
Coding change: c.863+5G>A on transcript NM_001371596.2 (MANE Select); 5 bases into the intron after coding-DNA position 863, G replaced by A.
Molecular consequence: intron variant.
Genome position (GRCh38, 1-based): chr4:127,932,980, C>T on the plus strand (G>A on the coding strand, the complement: MFSD8 is on the minus strand). VCF-style: chr4-127932980-C-T. GRCh37 (hg19) VCF-style: chr4-128854135-C-T.
Other names: c.581+5G>A (NM_001371595.1); c.413+5G>A (NM_001410765.1); c.728+5G>A (NM_001371590.2); c.863+5G>A (NM_152778.4, NM_001371591.2); c.548+5G>A (NM_001363521.3); c.749+5G>A (NM_001410766.1, NM_001371593.2); c.662+5G>A (NM_001363520.3); c.716+5G>A (NM_001371594.2); and 1 more.
Identifiers: ClinVar variation 3068353 (VCV003068353.1), dbSNP rs2546093507, ClinGen allele CA2825001285.

ClinVar aggregate classification (germline): Uncertain significance (1 of 4 stars; one submission).

Conditions:
Macular dystrophy with central cone involvement (CCMD). Identifiers: MedGen C4015371, MONDO:0014515, OMIM 616170.

Submission:

MVZ Medizinische Genetik Mainz
Classification: Uncertain significance for Macular dystrophy with central cone involvement. Last evaluated: 2023-07-25. Review status: criteria provided, single submitter. Criteria: UK Practice Guidelines For Variant Classification V4 01 2020. Collection method: clinical testing. Allele origin: germline. Inheritance: Autosomal recessive inheritance. Affected: yes. Observed: 1 variant allele.
Comment: ACMG Criteria: PM2_SUP,PM3_SUP,PP3